The following is an entry in ClinVar:

NM_001164665.2(KIAA1549):c.2878+1G>A

Gene: KIAA1549 (KIAA1549; minus strand). Cytogenetic location: 7q34.
Variant type: single nucleotide variant.
Coding change: c.2878+1G>A on transcript NM_001164665.2 (MANE Select); the canonical splice donor site of the intron after coding-DNA position 2878, G replaced by A.
Molecular consequence: splice donor variant.
Genome position (GRCh38, 1-based): chr7:138,916,747, C>T on the plus strand (G>A on the coding strand, the complement: KIAA1549 is on the minus strand). VCF-style: chr7-138916747-C-T. GRCh37 (hg19) VCF-style: chr7-138601493-C-T.
Other names: c.2878+1G>A (NM_020910.3).
Identifiers: ClinVar variation 1368040 (VCV001368040.6), dbSNP rs2130476276, ClinGen allele CA369391670.
Genomic context (GRCh38, chr7:138,916,747, plus strand): 5'-GCACACAAGCTCCTTAGAAAGATTGCCCACCCCAGAGAGGCGGCAGGAAGCTGGGCCTTA[C>T]CAGTTGTGATCAGATAGGCATCGGGGACTGTGATATCACAAACATATGGCGGCTTGGCAG-3'

ClinVar aggregate classification (germline): Uncertain significance (1 of 4 stars; one submission).

Submission:

Labcorp Genetics (formerly Invitae), Labcorp
Classification: Uncertain significance. Last evaluated: 2021-07-17. Review status: criteria provided, single submitter. Criteria: Invitae Variant Classification Sherloc (09022015). Collection method: clinical testing. Allele origin: germline.
Comment: In summary, the available evidence is currently insufficient to determine the role of this variant in disease. Therefore, it has been classified as a Variant of Uncertain Significance. Algorithms developed to predict the effect of sequence changes on RNA splicing suggest that this variant may disrupt the consensus splice site. This variant has not been reported in the literature in individuals affected with KIAA1549-related conditions. This variant is not present in population databases (ExAC no frequency). This sequence change affects a donor splice site in intron 2 of the KIAA1549 gene. It is expected to disrupt RNA splicing. Variants that disrupt the donor or acceptor splice site typically lead to a loss of protein function (PMID: 16199547), however the current clinical and genetic evidence is not sufficient to establish whether loss-of-function variants in KIAA1549 cause disease.

Literature cited by the submitters: PubMed 16199547.